The following is an entry in ClinVar:

NM_000051.4(ATM):c.3367G>C (p.Ala1123Pro)

Gene: ATM (ATM serine/threonine kinase; plus strand). Cytogenetic location: 11q22.3.
Variant type: single nucleotide variant.
Coding change: c.3367G>C on transcript NM_000051.4 (MANE Select); coding-DNA position 3367, G replaced by C.
Protein change: p.Ala1123Pro; replaces alanine 1123 with proline.
Molecular consequence: missense variant.
Genome position (GRCh38, 1-based): chr11:108,279,573, G>C. VCF-style: chr11-108279573-G-C. GRCh37 (hg19) VCF-style: chr11-108150300-G-C.
Other names: c.3367G>C, p.Ala1123Pro (NM_001351834.2); short protein forms A1123P.
Identifiers: ClinVar variation 407526 (VCV000407526.8), dbSNP rs1060501581, ClinGen allele CA16613326.
Genomic context (GRCh38, chr11:108,279,573, plus strand): 5'-GATTCTTCCAGGTTACTGAAAGCACTTCCTTTGAAGCTTCAGCAAACAGCTTTTGAAAAT[G>C]CATACTTGAAAGCTCAGGAAGGAATGAGAGAAATGGTAATTTTAAGTAACATGTATTTGC-3'
Protein context (NP_000042.3, residues 1113-1133): LKLQQTAFEN[Ala1123Pro]YLKAQEGMRE

ClinVar aggregate classification (germline): Uncertain significance (1 of 4 stars; one submission).

Conditions:
Ataxia-telangiectasia syndrome (AT). Also called: Ataxia telangiectasia (A-T); LOUIS-BAR SYNDROME; Cerebello-oculocutaneous telangiectasia; Immunodeficiency with ataxia telangiectasia; Ataxia-telangiectasia, complementation group D; AT, COMPLEMENTATION GROUP C. Identifiers: Orphanet 100, MedGen C0004135, MONDO:0008840, OMIM 208900.

Submission:

Labcorp Genetics (formerly Invitae), Labcorp
Classification: Uncertain significance for Ataxia-telangiectasia syndrome. Last evaluated: 2016-09-21. Review status: criteria provided, single submitter. Criteria: Invitae Variant Classification Sherloc (09022015). Collection method: clinical testing. Allele origin: germline.
Comment: In summary, this variant is a novel missense change with uncertain impact on protein function. It has been classified as a Variant of Uncertain Significance. Algorithms developed to predict the effect of missense changes on protein structure and function do not agree on the potential impact of this missense change (SIFT: "Tolerated"; PolyPhen-2: "Benign"; Align-GVGD: "Class C0"). This variant is not present in population databases (ExAC no frequency) and has not been reported in the literature in individuals with a ATM-related disease. This sequence change replaces alanine with proline at codon 1123 of the ATM protein (p.Ala1123Pro). The alanine residue is weakly conserved and there is a small physicochemical difference between alanine and proline.